The following is an entry in ClinVar:

ClinVar aggregate classification (germline): Benign/Likely benign. Review status: criteria provided, multiple submitters, no conflicts (2 of 4 stars). 4 submissions from 4 submitters: Benign (2); Likely benign (2). Last evaluated 2025-11-11.

Allele frequency attached by ClinVar (database versions not stated): gnomAD 0.00011; TOPMed 0.00014; 1000 Genomes Project 30x 0.00078; 1000 Genomes Project 0.00080.
gnomAD v4.1: 144 of 1,613,930 alleles (0.0089%); highest among the groups gnomAD compares: East Asian, 0.28%; 1 homozygote.

Submissions (5):

Women's Health and Genetics/Laboratory Corporation of America, LabCorp
Classification: Benign. Last evaluated: 2025-11-11. Review status: criteria provided, single submitter. Criteria: LabCorp Variant Classification Summary - May 2015. Collection method: clinical testing. Allele origin: germline.
Comment: Variant summary: TUBB3 c.278-7T>G alters a nucleotide located at a position not widely known to affect splicing. Consensus agreement among computation tools predict no significant impact on normal splicing. However, these predictions have yet to be confirmed by functional studies. The variant allele was found at a frequency of 0.00034 in 250466 control chromosomes. The observed variant frequency exceeds the estimated maximal expected allele frequency for disease-causing variants in TUBB3. To our knowledge, no occurrence of c.278-7T>G in individuals affected with TUBB3-related conditions and no experimental evidence demonstrating its impact on protein function have been reported. ClinVar contains an entry for this variant (Variation ID: 516338). Based on the evidence outlined above, the variant was classified as benign.

Labcorp Genetics (formerly Invitae), Labcorp
Classification: Benign. Last evaluated: 2024-12-18. Review status: criteria provided, single submitter. Criteria: Invitae Variant Classification Sherloc (09022015). Collection method: clinical testing. Allele origin: germline.

Blueprint Genetics
Classification: Likely benign. Last evaluated: 2024-06-28. Review status: criteria provided, single submitter. Criteria: ACMG Guidelines, 2015. Collection method: clinical testing. Allele origin: germline.

GeneDx
Classification: Likely benign. Last evaluated: 2017-03-15. Review status: criteria provided, single submitter. Criteria: GeneDx Variant Classification (06012015). Collection method: clinical testing. Allele origin: germline. Affected: yes.
Comment: This variant is considered likely benign or benign based on one or more of the following criteria: it is a conservative change, it occurs at a poorly conserved position in the protein, it is predicted to be benign by multiple in silico algorithms, and/or has population frequency not consistent with disease.

Dr. Peter K. Rogan Lab, Western University
No classification provided (evidence only). Condition: Malignant tumor of esophagus. Review status: no classification provided. Collection method: in vitro. Allele origin: not applicable. Functional consequence: retained intron. Not counted in ClinVar's aggregate classification.

NM_006086.4(TUBB3):c.278-7T>G

Gene: TUBB3 (tubulin beta 3 class III; plus strand). Cytogenetic location: 16q24.3.
Variant type: single nucleotide variant.
Coding change: c.278-7T>G on transcript NM_006086.4 (MANE Select); 7 bases into the intron before coding-DNA position 278, T replaced by G.
Molecular consequence: intron variant.
Genome position (GRCh38, 1-based): chr16:89,934,722, T>G. VCF-style: chr16-89934722-T-G. GRCh37 (hg19) VCF-style: chr16-90001130-T-G.
Other names: c.62-7T>G (NM_001197181.2).
Identifiers: ClinVar variation 516338 (VCV000516338.9), dbSNP rs199842533, ClinGen allele CA8256089.